The following is an entry in ClinVar:

ClinVar aggregate classification (germline): Uncertain significance (1 of 4 stars; one submission).

Submission:

GeneDx
Classification: Uncertain significance. Last evaluated: 2023-12-28. Review status: criteria provided, single submitter. Criteria: GeneDx Variant Classification Process June 2021. Collection method: clinical testing. Allele origin: germline. Affected: yes.
Comment: Not observed at significant frequency in large population cohorts (gnomAD); In silico analysis supports that this missense variant has a deleterious effect on protein structure/function; Has not been previously published as pathogenic or benign to our knowledge

NM_057175.5(NAA15):c.1706A>G (p.His569Arg)

Gene: NAA15 (N-alpha-acetyltransferase 15, NatA auxiliary subunit; plus strand). Cytogenetic location: 4q31.1.
Variant type: single nucleotide variant.
Coding change: c.1706A>G on transcript NM_057175.5 (MANE Select); coding-DNA position 1706, A replaced by G.
Protein change: p.His569Arg; replaces histidine 569 with arginine.
Molecular consequence: missense variant.
Genome position (GRCh38, 1-based): chr4:139,361,890, A>G. VCF-style: chr4-139361890-A-G. GRCh37 (hg19) VCF-style: chr4-140283044-A-G.
Other names: c.1706A>G, p.His569Arg (NM_001410842.1); short protein forms H569R.
Identifiers: ClinVar variation 3367352 (VCV003367352.1).
Genomic context (GRCh38, chr4:139,361,890, plus strand): 5'-GACAGCATCCATTTTACTTCAAGGCAGCAAGAATTGCTATAGAGATCTATTTGAAGCTTC[A>G]TGACAACCCCCTTACAGATGAGAATAAAGAACACGAAGCTGATACAGGTATAATATTCAG-3'
Protein context (NP_476516.1, residues 559-579): RIAIEIYLKL[His569Arg]DNPLTDENKE